The following is an entry in ClinVar:

NM_001267550.2(TTN):c.53551A>G (p.Ile17851Val)

Genes: TTN (titin; minus strand), TTN-AS1 (TTN antisense RNA 1; plus strand). Cytogenetic location: 2q31.2.
Variant type: single nucleotide variant.
Coding change: c.53551A>G on transcript NM_001267550.2 (MANE Select); coding-DNA position 53551, A replaced by G.
Protein change: p.Ile17851Val; replaces isoleucine 17851 with valine.
Molecular consequence: missense variant.
Genome position (GRCh38, 1-based): chr2:178,607,051, T>C on the plus strand (A>G on the coding strand, the complement: TTN is on the minus strand). VCF-style: chr2-178607051-T-C. GRCh37 (hg19) VCF-style: chr2-179471778-T-C.
Other names: c.48628A>G, p.Ile16210Val (NM_001256850.1); c.26356A>G, p.Ile8786Val (NM_003319.4); c.45847A>G, p.Ile15283Val (NM_133378.4); c.26731A>G, p.Ile8911Val (NM_133432.3); c.26932A>G, p.Ile8978Val (NM_133437.4); short protein forms I15283V, I16210V, I17851V, I8911V, I8978V, I8786V.
Identifiers: ClinVar variation 1794104 (VCV001794104.2), dbSNP rs1472380264, ClinGen allele CA349563251.
Genomic context (GRCh38, chr2:178,607,051, plus strand): 5'-CTATAAACACAATGAAACCTTCTCTTTTACCTAGTGGATCAACTGCAAGAATTGGTCCTA[T>C]TTCAACAGGAGGGCCACAGCCAAACTTGTTCTTGGCAATAACACGGAACTTATATTCTTG-3'
Protein context (NP_001254479.2, residues 17841-17861): NKFGCGPPVE[Ile17851Val]GPILAVDPLG

ClinVar aggregate classification (germline): Uncertain significance (1 of 4 stars; one submission).

Conditions:
Cardiovascular phenotype. Identifiers: MedGen CN230736.

Allele frequency attached by ClinVar (database versions not stated): gnomAD exomes below 0.00001.
gnomAD v4.1: 1 of 1,611,688 alleles (0.000062%); highest among the groups gnomAD compares: South Asian, 0.0011%; no homozygotes.

Submission:

Ambry Genetics
Classification: Uncertain significance for Cardiovascular phenotype. Last evaluated: 2019-01-31. Review status: criteria provided, single submitter. Criteria: Ambry Variant Classification Scheme 2023. Collection method: clinical testing. Allele origin: germline.
Comment: The p.I8786V variant (also known as c.26356A>G), located in coding exon 105 of the TTN gene, results from an A to G substitution at nucleotide position 26356. The isoleucine at codon 8786 is replaced by valine, an amino acid with highly similar properties. This amino acid position is not well conserved in available vertebrate species, and valine is the reference amino acid in other vertebrate species. In addition, this alteration is predicted to be tolerated by in silico analysis. Since supporting evidence is limited at this time, the clinical significance of this alteration remains unclear.